The following is an entry in ClinVar:

ClinVar aggregate classification (germline): Uncertain significance (0 of 4 stars; one submission).

Conditions:
Developmental cataract. Also called: Congenital cataracts; Bilateral cataracts; Congenital cataract. Identifiers: MedGen C0009691, HP:0000519.

Allele frequency attached by ClinVar (database versions not stated): TOPMed below 0.00001.

Submission:

Dept. Genetics and Cancer, Menzies Institute for Medical Research, University of Tasmania
Classification: Uncertain significance for Developmental cataract. Last evaluated: 2021-05-01. Review status: no assertion criteria provided. Criteria: ACMG Guidelines, 2015. Collection method: research. Allele origin: germline. Affected: yes.
Comment: PM2, PP3. Absent/near absent from population databases. Multiple predictive tools assessing variant as damaging/pathogenic. Note: Variant causes loss of start codon with likely loss of function, but haploinsufficiency has not been shown to cause disease before.

NM_181336.4(LEMD2):c.1A>G (p.Met1Val)

Genes: LEMD2 (LEM domain nuclear envelope protein 2; minus strand), LOC129996186 (ATAC-STARR-seq lymphoblastoid silent region 17057; plus strand). Cytogenetic location: 6p21.31.
Variant type: single nucleotide variant.
Coding change: c.1A>G on transcript NM_181336.4 (MANE Select); coding-DNA position 1, A replaced by G.
Protein change: p.Met1Val; changes the start codon (methionine 1).
Molecular consequence: missense variant, initiator codon variant. On other transcripts: 5 prime UTR variant (1).
Genome position (GRCh38, 1-based): chr6:33,789,116, T>C on the plus strand (A>G on the coding strand, the complement: LEMD2 is on the minus strand). VCF-style: chr6-33789116-T-C. GRCh37 (hg19) VCF-style: chr6-33756893-T-C.
Other names: c.-512A>G (NM_001348709.2); c.1A>G, p.Met1Val (NM_001348710.2); short protein forms M1V.
Identifiers: ClinVar variation 1065592 (VCV001065592.2), dbSNP rs913693615, ClinGen allele CA137120204.